The following is an entry in ClinVar:

NM_000110.4(DPYD):c.1399G>T (p.Glu467Ter)

Gene: DPYD (dihydropyrimidine dehydrogenase; minus strand). Cytogenetic location: 1p21.3.
Variant type: single nucleotide variant.
Coding change: c.1399G>T on transcript NM_000110.4 (MANE Select); coding-DNA position 1399, G replaced by T.
Protein change: p.Glu467Ter; replaces glutamic acid 467 with a stop codon.
Molecular consequence: nonsense.
Genome position (GRCh38, 1-based): chr1:97,549,685, C>A on the plus strand (G>T on the coding strand, the complement: DPYD is on the minus strand). VCF-style: chr1-97549685-C-A. GRCh37 (hg19) VCF-style: chr1-98015241-C-A.
Other names: short protein forms E467*.
Identifiers: ClinVar variation 5011399 (VCV005011399.1).
Genomic context (GRCh38, chr1:97,549,685, plus strand): 5'-TAGCCAAACCAACGACATCACCACCTGCAAATACCCATGCTTCACTAGTTTGCATAGTTT[C>A]TGGATCTACTTCTGGGAGACCCCATCTGTTAAATTTTATAGGGCTCAAGGCTTCTTTTAC-3'

ClinVar aggregate classification (germline): Pathogenic (1 of 4 stars; one submission).

Conditions:
Dihydropyrimidine dehydrogenase deficiency (DPYDD). Also called: DPD DEFICIENCY; DPYD DEFICIENCY; Hereditary Thymine-Uraciluria. Identifiers: Orphanet 1675, MedGen C1959620, MONDO:0010130, OMIM 274270.

gnomAD v4.1: 1 of 1,613,854 alleles (0.000062%); highest among the groups gnomAD compares: Non-Finnish European, 0.000085%; no homozygotes.

Submission:

Myriad Genetics, Inc.
Classification: Pathogenic for Dihydropyrimidine dehydrogenase deficiency. Last evaluated: 2023-08-19. Review status: criteria provided, single submitter. Criteria: Myriad Autosomal Dominant, Autosomal Recessive and X-Linked Classification Criteria (2023). Collection method: clinical testing. Allele origin: unknown.
Comment: NM_000110.3(DPYD):c.1399G>T(E467*) is expected to be pathogenic in the context of dihydropyrimidine dehydrogenase deficiency. This variant is predicted to lead to an abnormal or absent protein product due to the creation of a premature termination codon in DPYD, a gene where loss-of-function variants are known to be pathogenic. Please note: this variant was assessed in the context of healthy population screening.